The following is an entry in ClinVar:

NM_012472.6(DNAAF11):c.502C>T (p.Gln168Ter)

Gene: DNAAF11 (dynein axonemal assembly factor 11; minus strand). Cytogenetic location: 8q24.22.
Variant type: single nucleotide variant.
Coding change: c.502C>T on transcript NM_012472.6 (MANE Select); coding-DNA position 502, C replaced by T.
Protein change: p.Gln168Ter; replaces glutamine 168 with a stop codon.
Molecular consequence: nonsense. On other transcripts: non-coding transcript variant (1).
Genome position (GRCh38, 1-based): chr8:132,632,891, G>A on the plus strand (C>T on the coding strand, the complement: DNAAF11 is on the minus strand). VCF-style: chr8-132632891-G-A. GRCh37 (hg19) VCF-style: chr8-133645137-G-A.
Other names: c.502C>T, p.Gln168Ter (NM_001321961.2); c.256C>T, p.Gln86Ter (NM_001321962.2); c.142C>T, p.Gln48Ter (NM_001321963.2, NM_001321964.2, NM_001321965.2 and 1 more transcripts); short protein forms Q48*, Q168*, Q86*.
Identifiers: ClinVar variation 4998365 (VCV004998365.1).

ClinVar aggregate classification (germline): Likely pathogenic (1 of 4 stars; one submission).

Conditions:
DNAAF11-related disorder. Also called: DNAAF11-related condition.

Submission:

PreventionGenetics, part of Exact Sciences
Classification: Likely pathogenic for DNAAF11-related condition. Last evaluated: 2024-12-16. Review status: criteria provided, single submitter. Criteria: ACMG Guidelines, 2015. Collection method: clinical testing. Allele origin: germline.
Comment: The DNAAF11 c.502C>T variant is predicted to result in premature protein termination (p.Gln168*). To our knowledge, this variant has not been reported in the literature or in a large population database (gnomAD), indicating this variant is rare. Nonsense variants in DNAAF11 are expected to be pathogenic. This variant is interpreted as likely pathogenic.